The following is an entry in ClinVar:

ClinVar aggregate classification (germline): Pathogenic (1 of 4 stars; one submission).

Submission:

Labcorp Genetics (formerly Invitae), Labcorp
Classification: Pathogenic. Last evaluated: 2024-03-01. Review status: criteria provided, single submitter. Criteria: Invitae Variant Classification Sherloc (09022015). Collection method: clinical testing. Allele origin: germline.
Comment: This sequence change creates a premature translational stop signal (p.Thr3043Profs*34) in the MYO15A gene. It is expected to result in an absent or disrupted protein product. Loss-of-function variants in MYO15A are known to be pathogenic (PMID: 17546645). This variant is not present in population databases (gnomAD no frequency). This variant has not been reported in the literature in individuals affected with MYO15A-related conditions. For these reasons, this variant has been classified as Pathogenic.

Literature cited by the submitters: PubMed 17546645.

NM_016239.4(MYO15A):c.9127del (p.Thr3043fs)

Gene: MYO15A (myosin XVA; plus strand). Cytogenetic location: 17p11.2.
Variant type: Deletion.
Coding change: c.9127del on transcript NM_016239.4 (MANE Select); coding-DNA position 9127, one base deleted (A; older notation c.9127delA).
Protein change: p.Thr3043fs; shifts the reading frame from threonine 3043.
Molecular consequence: frameshift variant.
Genome position (GRCh38, 1-based): chr17:18,158,968, A deleted; the last of 2 consecutive A bases (chr17:18,158,967-18,158,968); deleting either gives the same sequence. VCF-style (leftmost placement, unchanged base first): chr17-18158966-GA-G. GRCh37 (hg19) VCF-style: chr17-18062280-GA-G.
Other names: short protein forms T3043fs.
Identifiers: ClinVar variation 3643926 (VCV003643926.2).
Genomic context (GRCh38, chr17:18,158,966, plus strand): 5'-CACCCACCTCCCACTGCAGGGATGGCCTCAGGCTGAAATCCAAGGAGCCTCGGGAGTCCA[GA>G]ACCTTGGAGGACATGCTTTGCTTCACCAAGGTGTCCAGTCCCGGACCTCAGTTTCCCCAT-3'